The following is an entry in ClinVar:

ClinVar aggregate classification (germline): Benign. Review status: criteria provided, multiple submitters, no conflicts (2 of 4 stars). 2 submissions from 2 submitters: Benign (2). Last evaluated 2019-01-10.

Allele frequency attached by ClinVar (database versions not stated): ExAC 0.60085; 1000 Genomes Project 30x 0.60431; 1000 Genomes Project 0.60543; TOPMed 0.63595; gnomAD 0.63700 and 0.63951; gnomAD exomes 0.67158.
gnomAD v4.1: 1,000,325 of 1,534,630 alleles (65%); highest among the groups gnomAD compares: Admixed American, 76%; 329,259 homozygotes.

Submissions (4):

GeneDx
Classification: Benign. Last evaluated: 2019-01-10. Review status: criteria provided, single submitter. Criteria: GeneDx Variant Classification Process June 2021. Collection method: clinical testing. Allele origin: germline. Affected: yes.
Comment: This variant is associated with the following publications: (PMID: 29547645, 26553438)

Breakthrough Genomics
Classification: Benign. Review status: criteria provided, single submitter. Criteria: ACMG Guidelines, 2015. Collection method: not provided. Allele origin: germline. Inheritance: Unknown mechanism. Affected: yes.

Dr. Peter K. Rogan Lab, Western University
No classification provided (evidence only). Condition: Ovarian serous cystadenocarcinoma. Review status: no classification provided. Collection method: in vitro. Allele origin: not applicable. Functional consequence: retained intron. Not counted in ClinVar's aggregate classification.

Dr. Peter K. Rogan Lab, Western University
No classification provided (evidence only). Condition: Ovarian serous cystadenocarcinoma. Review status: no classification provided. Collection method: in vitro. Allele origin: not applicable. Functional consequence: retained intron. Not counted in ClinVar's aggregate classification.

NM_001145475.3(FAM186A):c.559A>C (p.Lys187Gln)

Gene: FAM186A (family with sequence similarity 186 member A; minus strand). Cytogenetic location: 12q13.12.
Variant type: single nucleotide variant.
Coding change: c.559A>C on transcript NM_001145475.3 (MANE Select); coding-DNA position 559, A replaced by C.
Protein change: p.Lys187Gln; replaces lysine 187 with glutamine.
Molecular consequence: missense variant.
Genome position (GRCh38, 1-based): chr12:50,360,780, T>G on the plus strand (A>C on the coding strand, the complement: FAM186A is on the minus strand). VCF-style: chr12-50360780-T-G. GRCh37 (hg19) VCF-style: chr12-50754563-T-G.
Other names: NC_000012.11:g.50754563T>G; short protein forms K187Q.
Identifiers: ClinVar variation 1278322 (VCV001278322.3), dbSNP rs12303082, ClinGen allele CA6563439.